The following is an entry in ClinVar:

NM_000142.5(FGFR3):c.1738G>A (p.Asp580Asn)

Gene: FGFR3 (fibroblast growth factor receptor 3; plus strand). Cytogenetic location: 4p16.3.
Variant type: single nucleotide variant.
Coding change: c.1738G>A on transcript NM_000142.5 (MANE Select); coding-DNA position 1738, G replaced by A.
Protein change: p.Asp580Asn; replaces aspartic acid 580 with asparagine.
Molecular consequence: missense variant. On other transcripts: non-coding transcript variant (1).
Genome position (GRCh38, 1-based): chr4:1,805,842, G>A. VCF-style: chr4-1805842-G-A. GRCh37 (hg19) VCF-style: chr4-1807569-G-A.
Other names: c.1744G>A, p.Asp582Asn (NM_001163213.2); c.1741G>A, p.Asp581Asn (NM_001354809.2, NM_001354810.2); c.1402G>A, p.Asp468Asn (NM_022965.4); short protein forms D468N, D580N, D582N, D581N.
Identifiers: ClinVar variation 2180555 (VCV002180555.6), dbSNP rs761196249, ClinGen allele CA2810560.
Genomic context (GRCh38, chr4:1,805,842, plus strand): 5'-AAGGGTAACCTGCGGGAGTTTCTGCGGGCGCGGCGGCCCCCGGGCCTGGACTACTCCTTC[G>A]ACACCTGCAAGCCGCCCGAGGAGCAGCTCACCTTCAAGGACCTGGTGTCCTGTGCCTACC-3'
Protein context (NP_000133.1, residues 570-590): RRPPGLDYSF[Asp580Asn]TCKPPEEQLT

ClinVar aggregate classification (germline): Likely benign. Review status: criteria provided, multiple submitters, no conflicts (2 of 4 stars). 3 submissions from 3 submitters: Likely benign (3). Last evaluated 2026-06-23.

Conditions:
FGFR3-related chondrodysplasia. Identifiers: Orphanet 93420, MedGen C5681604, MONDO:0019685.

Allele frequency attached by ClinVar (database versions not stated): gnomAD 0.00005; ExAC 0.00006.

Submissions (3):

Genomenon, Inc
Classification: Likely benign for FGFR3-related chondrodysplasia. Last evaluated: 2026-06-23. Review status: criteria provided, single submitter. Criteria: Genomenon Sequence Variant Interpretation Standards - Updated. Collection method: curation. Allele origin: germline. Affected: no.
Comment: FGFR3 p.Asp580Asn (c.1738G>A) is a missense variant that changes the amino acid at codon 580 from Aspartic acid to Asparagine. This variant has been reported in the published literature (PMID:35117557;33728303;16912704). This variant’s allele frequency in gnomAD is greater than expected for this disorder. In conclusion, we classify FGFR3 p.Asp580Asn (c.1738G>A) as a likely benign variant.

Labcorp Genetics (formerly Invitae), Labcorp
Classification: Likely benign. Last evaluated: 2025-12-06. Review status: criteria provided, single submitter. Criteria: Invitae Variant Classification Sherloc (09022015). Collection method: clinical testing. Allele origin: germline.

Blueprint Genetics
Classification: Likely benign. Last evaluated: 2024-10-18. Review status: criteria provided, single submitter. Criteria: ACMG Guidelines, 2015. Collection method: clinical testing. Allele origin: germline.

Literature cited by the submitters: PubMed 35117557 (cited by Genomenon, Inc); PubMed 33728303 (cited by Genomenon, Inc); PubMed 16912704 (cited by Genomenon, Inc).